The following is an entry in ClinVar:

ClinVar aggregate classification (germline): Likely benign. Review status: criteria provided, multiple submitters, no conflicts (2 of 4 stars). 3 submissions from 3 submitters: Likely benign (3). Last evaluated 2025-09-01.

Allele frequency attached by ClinVar (database versions not stated): ExAC 0.00147; gnomAD 0.00341 and 0.00317; 1000 Genomes Project 0.00359; ESP Exome Variant Server 0.00415; 1000 Genomes Project 30x 0.00344; TOPMed 0.00336.
gnomAD v4.1: 1,047 of 1,612,020 alleles (0.065%); highest among the groups gnomAD compares: African/African-American, 1.2%; 7 homozygotes.

Submissions (3):

CeGaT Center for Human Genetics Tuebingen
Classification: Likely benign. Last evaluated: 2025-09-01. Review status: criteria provided, single submitter. Criteria: CeGaT Center For Human Genetics Tuebingen Variant Classification Criteria Version 2. Collection method: clinical testing. Allele origin: germline. Affected: yes. Observed: 1 variant allele.
Comment: AVIL: BS1

GeneDx
Classification: Likely benign. Last evaluated: 2018-06-25. Review status: criteria provided, single submitter. Criteria: GeneDx Variant Classification Process June 2021. Collection method: clinical testing. Allele origin: germline. Affected: yes.

Breakthrough Genomics
Classification: Likely benign. Review status: criteria provided, single submitter. Criteria: ACMG Guidelines, 2015. Collection method: not provided. Allele origin: germline. Inheritance: Autosomal recessive inheritance. Affected: yes.

NM_006576.4(AVIL):c.1976T>C (p.Ile659Thr)

Genes: AVIL (advillin; minus strand), TSFM (Ts translation elongation factor, mitochondrial; plus strand). Cytogenetic location: 12q14.1.
Variant type: single nucleotide variant.
Coding change: c.1976T>C on transcript NM_006576.4 (MANE Select); coding-DNA position 1976, T replaced by C.
Protein change: p.Ile659Thr; replaces isoleucine 659 with threonine.
Molecular consequence: missense variant. On other transcripts: intron variant (1).
Genome position (GRCh38, 1-based): chr12:57,802,335, A>G on the plus strand (T>C on the coding strand, the complement: AVIL is on the minus strand). VCF-style: chr12-57802335-A-G. GRCh37 (hg19) VCF-style: chr12-58196118-A-G.
Other names: c.572-220A>G (NM_001172697.2); short protein forms I659T.
Identifiers: ClinVar variation 1202459 (VCV001202459.13), dbSNP rs143252193, ClinGen allele CA6659630.
Genomic context (GRCh38, chr12:57,802,335, plus strand): 5'-AGGTACTGCTGTGCTGTGGCAAGGGCACTCTCCTTCTCCGTGGCATTGGCCTCAGCCCCA[A>G]TCCACAAGAACACCTGTTAAGGTGGAGATTTAATATATGTTACTGTGTTCATACCAAGGA-3'
Protein context (NP_006567.3, residues 649-669): LDTWDQVFLW[Ile659Thr]GAEANATEKE